The following is an entry in ClinVar:

ClinVar aggregate classification (germline): Likely benign (1 of 4 stars; one submission).

gnomAD v4.1: 30 of 1,614,084 alleles (0.0019%); highest among the groups gnomAD compares: African/African-American, 0.017%; no homozygotes.

Submission:

Mayo Clinic Laboratories, Mayo Clinic
Classification: Likely benign. Last evaluated: 2024-11-18. Review status: criteria provided, single submitter. Criteria: ACMG Guidelines, 2015. Collection method: clinical testing. Allele origin: germline. Observed: 1 variant allele.
Comment: BP4, BP7

NM_014918.5(CHSY1):c.963C>T (p.Ser321=)

Gene: CHSY1 (chondroitin sulfate synthase 1; minus strand). Cytogenetic location: 15q26.3.
Variant type: single nucleotide variant.
Coding change: c.963C>T on transcript NM_014918.5 (MANE Select); coding-DNA position 963, C replaced by T.
Protein change: p.Ser321=; no amino-acid change (serine 321 retained).
Molecular consequence: synonymous variant.
Genome position (GRCh38, 1-based): chr15:101,178,834, G>A on the plus strand (C>T on the coding strand, the complement: CHSY1 is on the minus strand). VCF-style: chr15-101178834-G-A. GRCh37 (hg19) VCF-style: chr15-101719039-G-A.
Other names: p.Ser321=.
Identifiers: ClinVar variation 4684035 (VCV004684035.1).